The following is an entry in ClinVar:

NM_002907.4(RECQL):c.796C>T (p.Gln266Ter)

Gene: RECQL (RecQ like helicase; minus strand). Cytogenetic location: 12p12.1.
Variant type: single nucleotide variant.
Coding change: c.796C>T on transcript NM_002907.4 (MANE Select); coding-DNA position 796, C replaced by T.
Protein change: p.Gln266Ter; replaces glutamine 266 with a stop codon.
Molecular consequence: nonsense.
Genome position (GRCh38, 1-based): chr12:21,477,874, G>A on the plus strand (C>T on the coding strand, the complement: RECQL is on the minus strand). VCF-style: chr12-21477874-G-A. GRCh37 (hg19) VCF-style: chr12-21630808-G-A.
Other names: c.796C>T, p.Gln266Ter (NM_032941.3); short protein forms Q266*.
Identifiers: ClinVar variation 801379 (VCV000801379.14), dbSNP rs572725483, ClinGen allele CA6478972.
Genomic context (GRCh38, chr12:21,477,874, plus strand): 5'-GATTTGGCCTATTAAAAGAAGCTGTAAAAGTAAAACACTTTTCAATGCACAAAATTTTCT[G>A]AGCATCCGTCAAAACGTGATTTGTTGCAGTTGCAGTCAGCCCAATTAGTGATGCGTTAGG-3'

ClinVar aggregate classification (germline): Conflicting classifications of pathogenicity. Review status: criteria provided, conflicting classifications (1 of 4 stars). 4 submissions from 4 submitters: Likely pathogenic (1); Uncertain significance (3). Last evaluated 2026-07-16.

Conditions:
RECQL-related disorder. Also called: RECQL-related condition.
Hereditary cancer-predisposing syndrome. Also called: Neoplastic Syndromes, Hereditary; Hereditary Cancer Syndrome; Tumor predisposition; Hereditary neoplastic syndrome. Identifiers: Orphanet 140162, MedGen C0027672, MeSH D009386, MONDO:0015356.

Allele frequency attached by ClinVar (database versions not stated): TOPMed 0.00001; ExAC 0.00004; gnomAD 0.00004 and 0.00005; gnomAD exomes 0.00004; 1000 Genomes Project 30x 0.00016; 1000 Genomes Project 0.00020.
gnomAD v4.1: 24 of 1,613,904 alleles (0.0015%); highest among the groups gnomAD compares: East Asian, 0.047%; no homozygotes.

Submissions (4):

PreventionGenetics, part of Exact Sciences
Classification: Uncertain significance for RECQL-related condition. Last evaluated: 2026-07-16. Review status: criteria provided, single submitter. Criteria: ACMG Guidelines, 2015. Collection method: clinical testing. Allele origin: germline.
Comment: The RECQL c.796C>T variant is predicted to result in premature protein termination (p.Gln266*). This variant was reported in individuals with breast cancer or lung cancer (Kwong et al. 2016. PubMed ID: 27125668; Sun et al. 2015. PubMed ID: 25945795; Sun et al. 2017. PubMed ID: 28724667; Wang et al. 2022. PubMed ID: 36113475). This variant is reported in 0.060% of alleles in individuals of East Asian descent in gnomAD and has conflicting interpretations in ClinVar ranging from likely pathogenic to uncertain (Variation ID: 801379). At this time, the clinical significance of this variant is uncertain due to the absence of conclusive functional and genetic evidence.

Labcorp Genetics (formerly Invitae), Labcorp
Classification: Uncertain significance. Last evaluated: 2025-05-20. Review status: criteria provided, single submitter. Criteria: Invitae Variant Classification Sherloc (09022015). Collection method: clinical testing. Allele origin: germline.
Comment: This sequence change creates a premature translational stop signal (p.Gln266*) in the RECQL gene. It is expected to result in an absent or disrupted protein product. However, the current clinical and genetic evidence is not sufficient to establish whether loss-of-function variants in RECQL cause disease. This variant is present in population databases (rs572725483, gnomAD 0.06%), and has an allele count higher than expected for a pathogenic variant. This premature translational stop signal has been observed in individual(s) with breast cancer and/or lung cancer (PMID: 25945795, 27125668, 28724667, 30224651, 32029870, 36113475). ClinVar contains an entry for this variant (Variation ID: 801379). Algorithms developed to predict the effect of sequence changes on RNA splicing suggest that this variant may disrupt the consensus splice site. In summary, the available evidence is currently insufficient to determine the role of this variant in disease. Therefore, it has been classified as a Variant of Uncertain Significance.

Ambry Genetics
Classification: Uncertain significance. Last evaluated: 2024-02-16. Review status: criteria provided, single submitter. Criteria: Ambry Variant Classification Scheme 2023. Collection method: clinical testing. Allele origin: germline.
Comment: The p.Q266* variant (also known as c.796C>T), located in coding exon 6 of the RECQL gene, results from a C to T substitution at nucleotide position 796. This changes the amino acid from a glutamine to a stop codon within coding exon 6. This alteration is expected to result in loss of function by premature protein truncation or nonsense-mediated mRNA decay. The evidence for this gene-disease relationship is limited; therefore, the clinical significance of this alteration is unclear.

Mendelics
Classification: Likely pathogenic for Hereditary cancer-predisposing syndrome. Last evaluated: 2019-05-28. Review status: criteria provided, single submitter. Criteria: Mendelics Assertion Criteria 2017. Collection method: clinical testing. Allele origin: unknown.

Literature cited by the submitters: PubMed 25945795 (cited by Labcorp Genetics (formerly Invitae), Labcorp and Ambry Genetics); PubMed 27125668 (cited by Labcorp Genetics (formerly Invitae), Labcorp); PubMed 28724667 (cited by Labcorp Genetics (formerly Invitae), Labcorp); PubMed 30224651 (cited by Labcorp Genetics (formerly Invitae), Labcorp); PubMed 32029870 (cited by Labcorp Genetics (formerly Invitae), Labcorp); PubMed 36113475 (cited by Labcorp Genetics (formerly Invitae), Labcorp).